The following is an entry in ClinVar:

ClinVar aggregate classification (germline): Uncertain significance (1 of 4 stars; one submission).

Allele frequency attached by ClinVar (database versions not stated): gnomAD exomes below 0.00001; gnomAD 0.00001.
gnomAD v4.1: 5 of 1,550,520 alleles (0.00032%); highest among the groups gnomAD compares: South Asian, 0.0024%; no homozygotes.

Submission:

Labcorp Genetics (formerly Invitae), Labcorp
Classification: Uncertain significance. Last evaluated: 2022-06-26. Review status: criteria provided, single submitter. Criteria: Invitae Variant Classification Sherloc (09022015). Collection method: clinical testing. Allele origin: germline.
Comment: This sequence change replaces glutamic acid, which is acidic and polar, with lysine, which is basic and polar, at codon 176 of the CPLANE1 protein (p.Glu176Lys). This variant is present in population databases (no rsID available, gnomAD 0.004%). This variant has not been reported in the literature in individuals affected with CPLANE1-related conditions. Advanced modeling of protein sequence and biophysical properties (such as structural, functional, and spatial information, amino acid conservation, physicochemical variation, residue mobility, and thermodynamic stability) performed at Invitae indicates that this missense variant is not expected to disrupt CPLANE1 protein function. Algorithms developed to predict the effect of sequence changes on RNA splicing suggest that this variant may disrupt the consensus splice site. In summary, the available evidence is currently insufficient to determine the role of this variant in disease. Therefore, it has been classified as a Variant of Uncertain Significance.

NM_001384732.1(CPLANE1):c.526G>A (p.Glu176Lys)

Gene: CPLANE1 (ciliogenesis and planar polarity effector complex subunit 1; minus strand). Cytogenetic location: 5p13.2.
Variant type: single nucleotide variant.
Coding change: c.526G>A on transcript NM_001384732.1 (MANE Select); coding-DNA position 526, G replaced by A.
Protein change: p.Glu176Lys; replaces glutamic acid 176 with lysine.
Molecular consequence: missense variant.
Genome position (GRCh38, 1-based): chr5:37,244,419, C>T on the plus strand (G>A on the coding strand, the complement: CPLANE1 is on the minus strand). VCF-style: chr5-37244419-C-T. GRCh37 (hg19) VCF-style: chr5-37244521-C-T.
Other names: c.526G>A, p.Glu176Lys (NM_023073.4); short protein forms E176K.
Identifiers: ClinVar variation 2163307 (VCV002163307.1), dbSNP rs964246930, ClinGen allele CA117068747.
Genomic context (GRCh38, chr5:37,244,419, plus strand): 5'-CTGAGACTGATTTTACCTCATTTTTTATAAAAACAGCATTCACTACAGCTTCTTTATCTT[C>T]GGTGGAAGGCAAGAGAACTGCTTCTTCAGGTATGACCTGGGACCACCGACCCGCCAATGA-3'
Protein context (NP_001371661.1, residues 166-186): PEEAVLLPST[Glu176Lys]DKEAVVNAVF